The following is an entry in ClinVar:

ClinVar aggregate classification (germline): Pathogenic/Likely pathogenic. Review status: criteria provided, multiple submitters, no conflicts (2 of 4 stars). 3 submissions from 3 submitters: Pathogenic (1); Likely pathogenic (1). 1 of the submissions does not count toward it. Last evaluated 2025-09-30.

Conditions:
Ocular albinism, type I (OA1). Also called: Ocular albinism, type I, Nettleship-Falls type; Ocular Albinism type 1; NETTLESHIP-FALLS TYPE OCULAR ALBINISM; X-linked recessive ocular albinism. Identifiers: Orphanet 54, MedGen C0342684, MONDO:0021019, OMIM 300500.

Submissions (3):

Labcorp Genetics (formerly Invitae), Labcorp
Classification: Pathogenic. Last evaluated: 2025-09-30. Review status: criteria provided, single submitter. Criteria: Invitae Variant Classification Sherloc (09022015). Collection method: clinical testing. Allele origin: germline.
Comment: This sequence change affects a donor splice site in intron 7 of the GPR143 gene. It is expected to disrupt RNA splicing. Variants that disrupt the donor or acceptor splice site typically lead to a loss of protein function (PMID: 16199547), and loss-of-function variants in GPR143 are known to be pathogenic (PMID: 15965158, 18978956, 19390656, 21541274, 26160353, 28211458). This variant is not present in population databases (gnomAD no frequency). Disruption of this splice site has been observed in individuals with clinical features of ocular albinism (PMID: 11214907, 34346269; internal data). This variant is also known as 945+1G>A. ClinVar contains an entry for this variant (Variation ID: 98650). Algorithms developed to predict the effect of sequence changes on RNA splicing suggest that this variant may disrupt the consensus splice site. For these reasons, this variant has been classified as Pathogenic.

3billion
Classification: Likely pathogenic for Ocular albinism, type I. Last evaluated: 2022-01-03. Review status: criteria provided, single submitter. Criteria: ACMG Guidelines, 2015. Collection method: clinical testing. Allele origin: germline. Affected: yes. Observed: 1 hemizygote.
Comment: Canonical splice site: predicted to alter splicing and result in a loss or disruption of normal protein function through protein truncation. Multiple pathogenic variants are reported in the predicted truncated region (PVS1_VS).It is not observed in the gnomAD v2.1.1 dataset (PM2_M). Therefore, this variant is classified as likely pathogenic according to the recommendation of ACMG/AMP guideline.

Retina International
No classification provided. Review status: no classification provided. Collection method: not provided. Allele origin: not provided. Not counted in ClinVar's aggregate classification.

Literature cited by the submitters: PubMed 16199547 (cited by Labcorp Genetics (formerly Invitae), Labcorp); PubMed 15965158 (cited by Labcorp Genetics (formerly Invitae), Labcorp); PubMed 18978956 (cited by Labcorp Genetics (formerly Invitae), Labcorp); PubMed 19390656 (cited by Labcorp Genetics (formerly Invitae), Labcorp); PubMed 21541274 (cited by Labcorp Genetics (formerly Invitae), Labcorp); PubMed 26160353 (cited by Labcorp Genetics (formerly Invitae), Labcorp); PubMed 28211458 (cited by Labcorp Genetics (formerly Invitae), Labcorp); PubMed 11214907 (cited by Labcorp Genetics (formerly Invitae), Labcorp); PubMed 34346269 (cited by Labcorp Genetics (formerly Invitae), Labcorp).

NM_000273.3(GPR143):c.885+1G>A

Gene: GPR143 (G protein-coupled receptor 143; minus strand). Cytogenetic location: Xp22.2.
Variant type: single nucleotide variant.
Coding change: c.885+1G>A on transcript NM_000273.3 (MANE Select); the canonical splice donor site of the intron after coding-DNA position 885, G replaced by A.
Molecular consequence: splice donor variant.
Genome position (GRCh38, 1-based): chrX:9,741,337, C>T on the plus strand (G>A on the coding strand, the complement: GPR143 is on the minus strand). VCF-style: chrX-9741337-C-T. GRCh37 (hg19) VCF-style: chrX-9709377-C-T.
Identifiers: ClinVar variation 98650 (VCV000098650.3), dbSNP rs281865184, ClinGen allele CA226205.